The following is an entry in ClinVar:

ClinVar aggregate classification (germline): Likely pathogenic (1 of 4 stars; one submission).

Conditions:
Fabry disease. Also called: ALPHA-GALACTOSIDASE A DEFICIENCY; ANDERSON-FABRY DISEASE; CERAMIDE TRIHEXOSIDASE DEFICIENCY; GLA DEFICIENCY; HEREDITARY DYSTOPIC LIPIDOSIS; Angiokeratoma corporis diffusum. Identifiers: Orphanet 324, MedGen C0002986, MONDO:0010526, OMIM 301500, HP:0001071. Disease mechanism: Fabry disease is due to inactivating mutations in the X-linked GLA gene resulting in deficiency of the enzyme Alpha Galactosidase-A., loss of function.

Submission:

Genomenon, Inc
Classification: Likely pathogenic for Fabry disease. Last evaluated: 2026-09-08. Review status: criteria provided, single submitter. Criteria: Genomenon Sequence Variant Interpretation Standards - Updated. Collection method: curation. Allele origin: germline. Affected: no.
Comment: GLA p.Met76Arg (c.227T>G) is a missense variant that changes the amino acid at codon 76 from Methionine to Arginine. To our knowledge, this variant has not been reported in patients affected with Fabry disease in the published literature. At least one functional study has demonstrated a substantial alteration in protein function relative to the wild-type (PMID:27657681). It is absent or not present at a significant frequency in gnomAD. In silico models predict that this variant is possibly or probably damaging. In conclusion, we classify GLA p.Met76Arg (c.227T>G) as a likely pathogenic variant.

Literature cited by the submitters: PubMed 27657681.

NM_000169.3(GLA):c.227T>G (p.Met76Arg)

Genes: GLA (galactosidase alpha; minus strand), RPL36A-HNRNPH2 (RPL36A-HNRNPH2 readthrough; plus strand). Cytogenetic location: Xq22.1.
Variant type: single nucleotide variant.
Coding change: c.227T>G on transcript NM_000169.3 (MANE Select); coding-DNA position 227, T replaced by G.
Protein change: p.Met76Arg; replaces methionine 76 with arginine.
Molecular consequence: missense variant. On other transcripts: non-coding transcript variant (3), intron variant (2).
Genome position (GRCh38, 1-based): chrX:101,403,953, A>C on the plus strand (T>G on the coding strand, the complement: GLA is on the minus strand). VCF-style: chrX-101403953-A-C. GRCh37 (hg19) VCF-style: chrX-100658941-A-C.
Other names: c.350T>G, p.Met117Arg (NM_001406747.1, NM_001406749.1); c.227T>G, p.Met76Arg (NM_001406748.1); c.301-7983A>C (NM_001199973.2); c.178-7983A>C (NM_001199974.2); short protein forms M117R, M76R.
Identifiers: ClinVar variation 4087309 (VCV004087309.2).